The following is an entry in ClinVar:

ClinVar aggregate classification (germline): Uncertain significance (1 of 4 stars; one submission).

Conditions:
Arrhythmogenic right ventricular dysplasia 8 (ARVD8). Also called: Arrhythmogenic Right Ventricular Dysplasia/Cardiomyopathy 8; ARRHYTHMOGENIC RIGHT VENTRICULAR DYSPLASIA, FAMILIAL, 8; ARRHYTHMOGENIC RIGHT VENTRICULAR CARDIOMYOPATHY 8. Identifiers: MedGen C1843896, MONDO:0011831, OMIM 607450.
Arrhythmogenic cardiomyopathy with wooly hair and keratoderma. Also called: PALMOPLANTAR KERATODERMA WITH LEFT VENTRICULAR CARDIOMYOPATHY AND WOOLLY HAIR; Carvajal syndrome; Arrhythmogenic cardiomyopathy with woolly hair and keratoderma; Dilated cardiomyopathy with woolly hair and keratoderma. Identifiers: Orphanet 65282, MedGen C1854063, MONDO:0011581, OMIM 605676.

Submission:

Labcorp Genetics (formerly Invitae), Labcorp
Classification: Uncertain significance for Arrhythmogenic cardiomyopathy with wooly hair and keratoderma; Arrhythmogenic right ventricular dysplasia 8. Last evaluated: 2023-07-19. Review status: criteria provided, single submitter. Criteria: Invitae Variant Classification Sherloc (09022015). Collection method: clinical testing. Allele origin: germline.
Comment: This variant has not been reported in the literature in individuals affected with DSP-related conditions. In summary, the available evidence is currently insufficient to determine the role of this variant in disease. Therefore, it has been classified as a Variant of Uncertain Significance. An algorithm developed to predict the effect of missense changes on protein structure and function (PolyPhen-2) suggests that this variant is likely to be tolerated. This variant is not present in population databases (gnomAD no frequency). This sequence change replaces threonine, which is neutral and polar, with serine, which is neutral and polar, at codon 37 of the DSP protein (p.Thr37Ser).

NM_004415.4(DSP):c.110C>G (p.Thr37Ser)

Genes: DSP (desmoplakin; plus strand), DSP-AS1 (DSP antisense RNA 1; minus strand). Cytogenetic location: 6p24.3.
Variant type: single nucleotide variant.
Coding change: c.110C>G on transcript NM_004415.4 (MANE Select); coding-DNA position 110, C replaced by G.
Protein change: p.Thr37Ser; replaces threonine 37 with serine.
Molecular consequence: missense variant.
Genome position (GRCh38, 1-based): chr6:7,542,025, C>G. VCF-style: chr6-7542025-C-G. GRCh37 (hg19) VCF-style: chr6-7542258-C-G.
Other names: c.110C>G, p.Thr37Ser (NM_001008844.3, NM_001319034.2, NM_001406591.1); short protein forms T37S.
Identifiers: ClinVar variation 2927152 (VCV002927152.3), dbSNP rs1402760880, ClinGen allele CA362675845.